The following is an entry in ClinVar:

ClinVar aggregate classification (germline): Conflicting classifications of pathogenicity. Review status: criteria provided, conflicting classifications (1 of 4 stars). 11 submissions from 11 submitters: Uncertain significance (1); Benign (1); Likely benign (9). Last evaluated 2026-06-01.

Conditions:
Hereditary cancer-predisposing syndrome. Also called: Tumor predisposition; Neoplastic Syndromes, Hereditary; Hereditary Cancer Syndrome; Hereditary neoplastic syndrome. Identifiers: Orphanet 140162, MedGen C0027672, MeSH D009386, MONDO:0015356.
Chuvash polycythemia. Also called: POLYCYTHEMIA, VHL-DEPENDENT. Identifiers: Orphanet 238557, MedGen C1837915, MONDO:0009892, OMIM 263400.
Von Hippel-Lindau syndrome (VHLS). Also called: VHL syndrome; von Hippel–Lindau syndrome; Von Hippel-Lindau. Identifiers: Orphanet 892, MedGen C0019562, MONDO:0008667, OMIM 193300. Disease mechanism: loss of function.

Allele frequency attached by ClinVar (database versions not stated): gnomAD exomes 0.00017; ExAC 0.00036; ESP Exome Variant Server 0.00070; gnomAD 0.00096 and 0.00106; TOPMed 0.00101.
gnomAD v4.1: 267 of 1,535,018 alleles (0.017%); highest among the groups gnomAD compares: African/African-American, 0.34%; 1 homozygote.

Submissions (11):

CeGaT Center for Human Genetics Tuebingen
Classification: Likely benign. Last evaluated: 2026-06-01. Review status: criteria provided, single submitter. Criteria: CeGaT Center For Human Genetics Tuebingen Variant Classification Criteria Version 2. Collection method: clinical testing. Allele origin: germline. Affected: yes. Observed: 1 variant allele.
Comment: VHL: BP4

Center for Genomic Medicine, Rigshospitalet, Copenhagen University Hospital
Classification: Likely benign. Last evaluated: 2025-12-29. Review status: criteria provided, single submitter. Criteria: ACMG Guidelines, 2015. Collection method: clinical testing. Allele origin: germline.
Comment: Classification criteria: BA1

Labcorp Genetics (formerly Invitae), Labcorp
Classification: Benign for Von Hippel-Lindau syndrome; Chuvash polycythemia. Last evaluated: 2025-07-17. Review status: criteria provided, single submitter. Criteria: Invitae Variant Classification Sherloc (09022015). Collection method: clinical testing. Allele origin: germline.

Myriad Genetics, Inc.
Classification: Likely benign for Von Hippel-Lindau syndrome. Last evaluated: 2024-08-06. Review status: criteria provided, single submitter. Criteria: Myriad Autosomal Dominant, Autosomal Recessive and X-Linked Classification Criteria (2023). Collection method: clinical testing. Allele origin: unknown.
Comment: This variant is considered likely benign. This variant has been observed at a population frequency that is significantly greater than expected given the associated disease prevalence and penetrance.

All of Us Research Program, National Institutes of Health
Classification: Likely benign for Von Hippel-Lindau syndrome. Last evaluated: 2024-01-11. Review status: criteria provided, single submitter. Criteria: ACMG Guidelines, 2015. Collection method: clinical testing. Allele origin: germline. Inheritance: Autosomal dominant inheritance. Observed: 52 variant alleles, 52 heterozygotes.
Comment: This study involves interpretation of variants in research participants for the purpose of population health screening. Participant phenotype was not available at the time of variant classification. Additional details can be found in publication PMID: 35346344, PMCID: PMC8962531

Color Diagnostics, LLC DBA Color Health
Classification: Likely benign for Von Hippel-Lindau syndrome. Last evaluated: 2022-03-14. Review status: criteria provided, single submitter. Criteria: ACMG Guidelines, 2015. Collection method: clinical testing. Allele origin: germline.

Sema4
Classification: Likely benign for Hereditary cancer-predisposing syndrome. Last evaluated: 2021-06-23. Review status: criteria provided, single submitter. Criteria: Sema4 Curation Guidelines. Collection method: curation. Allele origin: germline.

GeneDx
Classification: Likely benign. Last evaluated: 2020-11-26. Review status: criteria provided, single submitter. Criteria: GeneDx Variant Classification Process June 2021. Collection method: clinical testing. Allele origin: germline. Affected: yes.
Comment: This variant is associated with the following publications: (PMID: 29790589)

Ambry Genetics
Classification: Likely benign for Hereditary cancer-predisposing syndrome. Last evaluated: 2020-09-10. Review status: criteria provided, single submitter. Criteria: Ambry Variant Classification Scheme 2023. Collection method: clinical testing. Allele origin: germline.

Genetic Services Laboratory, University of Chicago
Classification: Uncertain significance. Last evaluated: 2019-07-12. Review status: criteria provided, single submitter. Criteria: ACMG Guidelines, 2015. Collection method: clinical testing. Allele origin: germline. Affected: no.

PreventionGenetics, part of Exact Sciences
Classification: Likely benign. Last evaluated: 2018-03-07. Review status: criteria provided, single submitter. Criteria: ACMG Guidelines, 2015. Collection method: clinical testing. Allele origin: germline.

NM_000551.4(VHL):c.-5A>C

Gene: VHL (von Hippel-Lindau tumor suppressor; plus strand). Cytogenetic location: 3p25.3.
Variant type: single nucleotide variant.
Coding change: c.-5A>C on transcript NM_000551.4 (MANE Select); 5 bases upstream of the start codon, A replaced by C.
Molecular consequence: 5 prime UTR variant.
Genome position (GRCh38, 1-based): chr3:10,141,843, A>C. VCF-style: chr3-10141843-A-C. GRCh37 (hg19) VCF-style: chr3-10183527-A-C.
Other names: c.-5A>C (NM_001354723.2, NM_198156.3).
Identifiers: ClinVar variation 182989 (VCV000182989.24), dbSNP rs35793832, ClinGen allele CA020514.